The following is an entry in ClinVar:

NC_000010.10:g.(?_73956549)_(73956767_?)del

Gene: ASCC1 (activating signal cointegrator 1 complex subunit 1; minus strand). Cytogenetic location: 10q22.1.
Variant type: Deletion.
Identifiers: ClinVar variation 3244962 (VCV003244962.1).

ClinVar aggregate classification (germline): Pathogenic (1 of 4 stars; one submission).

Submission:

Labcorp Genetics (formerly Invitae), Labcorp
Classification: Pathogenic. Last evaluated: 2023-05-02. Review status: criteria provided, single submitter. Criteria: Invitae Variant Classification Sherloc (09022015). Collection method: clinical testing. Allele origin: unknown.
Comment: For these reasons, this variant has been classified as Pathogenic. A similar copy number variant has been observed in individual(s) with clinical features of autosomal recessive spinal muscular atrophy (PMID: 32160656). This variant is a gross deletion of the genomic region encompassing exon(s) 5 of the ASCC1 gene. This deletion is out-of-frame, and is expected to create a premature termination codon and result in an absent or disrupted protein product. Loss-of-function variants in ASCC1 are known to be pathogenic (PMID: 30327447).

Literature cited by the submitters: PubMed 32160656; PubMed 30327447.